The following is an entry in ClinVar:

ClinVar aggregate classification (germline): Likely benign (0 of 4 stars; one submission).

Conditions:
TRIP12-related disorder. Also called: TRIP12-related condition.

Allele frequency attached by ClinVar (database versions not stated): gnomAD exomes below 0.00001; ExAC 0.00001.
gnomAD v4.1: 1 of 1,614,052 alleles (0.000062%); highest among the groups gnomAD compares: Non-Finnish European, 0.000085%; no homozygotes.

Submission:

PreventionGenetics, part of Exact Sciences
Classification: Likely benign for TRIP12-related condition. Last evaluated: 2021-08-02. Review status: no assertion criteria provided. Collection method: clinical testing. Allele origin: germline.
Comment: This variant is classified as likely benign based on ACMG/AMP sequence variant interpretation guidelines (Richards et al. 2015 PMID: 25741868, with internal and published modifications).

NM_001348323.3(TRIP12):c.5769C>T (p.Val1923=)

Gene: TRIP12 (thyroid hormone receptor interactor 12; minus strand). Cytogenetic location: 2q36.3.
Variant type: single nucleotide variant.
Coding change: c.5769C>T on transcript NM_001348323.3 (MANE Select); coding-DNA position 5769, C replaced by T.
Protein change: p.Val1923=; no amino-acid change (valine 1923 retained).
Molecular consequence: synonymous variant.
Genome position (GRCh38, 1-based): chr2:229,771,558, G>A on the plus strand (C>T on the coding strand, the complement: TRIP12 is on the minus strand). VCF-style: chr2-229771558-G-A. GRCh37 (hg19) VCF-style: chr2-230636274-G-A.
Other names: c.5688C>T, p.Val1896= (NM_001284214.2, NM_001348315.2); c.5643C>T, p.Val1881= (NM_001284215.2, NM_001348316.2); c.4734C>T, p.Val1578= (NM_001284216.2); c.5628C>T, p.Val1876= (NM_001348317.1, NM_001348318.2); c.5754C>T, p.Val1918= (NM_001348319.1, NM_001348320.2); c.5757C>T, p.Val1919= (NM_001348321.1); c.5769C>T, p.Val1923= (NM_001348322.1, NM_001348324.2, NM_001348325.2 and 2 more transcripts); c.5772C>T, p.Val1924= (NM_001348328.1, NM_001348329.2, NM_001348330.2); and 4 more.
Identifiers: ClinVar variation 3029136 (VCV003029136.2), dbSNP rs771630403, ClinGen allele CA2152241.
Genomic context (GRCh38, chr2:229,771,558, plus strand): 5'-TTTTAGATATAAGCTACTCACTTCCTCCGGGTAGAAGTACTGAAGATGACTGAGTGGGAA[G>A]ACTGATTCAAATCCATCTCTGAACGAATCAAATTGCCTAGAAACGCCTTCATTTAGTGCC-3'
Protein context (NP_001335252.1, residues 1913-1933): FDSFRDGFES[Val1923=]FPLSHLQYFY